The following is an entry in ClinVar:

ClinVar aggregate classification (germline): Uncertain significance. Review status: criteria provided, multiple submitters, no conflicts (2 of 4 stars). 2 submissions from 2 submitters: Uncertain significance (2). Last evaluated 2022-07-12.

Conditions:
Inborn genetic diseases. Identifiers: MedGen C0950123, MeSH D030342.
Developmental and epileptic encephalopathy, 30 (DEE30). Also called: Epileptic encephalopathy, early infantile, 30. Identifiers: MedGen C4225360, MONDO:0014595, OMIM 616341.

Submissions (2):

Labcorp Genetics (formerly Invitae), Labcorp
Classification: Uncertain significance for Developmental and epileptic encephalopathy, 30. Last evaluated: 2022-07-12. Review status: criteria provided, single submitter. Criteria: Invitae Variant Classification Sherloc (09022015). Collection method: clinical testing. Allele origin: germline.
Comment: In summary, the available evidence is currently insufficient to determine the role of this variant in disease. Therefore, it has been classified as a Variant of Uncertain Significance. Algorithms developed to predict the effect of sequence changes on RNA splicing suggest that this variant may create or strengthen a splice site. Advanced modeling of protein sequence and biophysical properties (such as structural, functional, and spatial information, amino acid conservation, physicochemical variation, residue mobility, and thermodynamic stability) performed at Invitae indicates that this missense variant is not expected to disrupt SIK1 protein function. ClinVar contains an entry for this variant (Variation ID: 476079). This variant has not been reported in the literature in individuals affected with SIK1-related conditions. This variant is not present in population databases (gnomAD no frequency). This sequence change replaces proline, which is neutral and non-polar, with glutamine, which is neutral and polar, at codon 420 of the SIK1 protein (p.Pro420Gln).

Ambry Genetics
Classification: Uncertain significance for Inborn genetic diseases. Last evaluated: 2018-03-18. Review status: criteria provided, single submitter. Criteria: Ambry Variant Classification Scheme 2023. Collection method: clinical testing. Allele origin: germline.
Comment: The p.P420Q variant (also known as c.1259C>A), located in coding exon 10 of the SIK1 gene, results from a C to A substitution at nucleotide position 1259. The proline at codon 420 is replaced by glutamine, an amino acid with similar properties. This amino acid position is not well conserved in available vertebrate species. In addition, this alteration is predicted to be tolerated by in silico analysis. Since supporting evidence is limited at this time, the clinical significance of this alteration remains unclear.

NM_173354.5(SIK1):c.1259C>A (p.Pro420Gln)

Gene: SIK1 (salt inducible kinase 1; minus strand). Cytogenetic location: 21q22.3.
Variant type: single nucleotide variant.
Coding change: c.1259C>A on transcript NM_173354.5 (MANE Select); coding-DNA position 1259, C replaced by A.
Protein change: p.Pro420Gln; replaces proline 420 with glutamine.
Molecular consequence: missense variant.
Genome position (GRCh38, 1-based): chr21:43,419,224, G>T on the plus strand (C>A on the coding strand, the complement: SIK1 is on the minus strand). VCF-style: chr21-43419224-G-T. GRCh37 (hg19) VCF-style: chr21-44839104-G-T.
Other names: short protein forms P420Q.
Identifiers: ClinVar variation 476079 (VCV000476079.13), dbSNP rs181611369, ClinGen allele CA321325951.